The following is an entry in ClinVar:

NM_173354.5(SIK1):c.625-39A>G

Gene: SIK1 (salt inducible kinase 1; minus strand). Cytogenetic location: 21q22.3.
Variant type: single nucleotide variant.
Coding change: c.625-39A>G on transcript NM_173354.5 (MANE Select); 39 bases into the intron before coding-DNA position 625, A replaced by G.
Molecular consequence: intron variant.
Genome position (GRCh38, 1-based): chr21:43,421,172, T>C on the plus strand (A>G on the coding strand, the complement: SIK1 is on the minus strand). VCF-style: chr21-43421172-T-C. GRCh37 (hg19) VCF-style: chr21-44841052-T-C.
Identifiers: ClinVar variation 1332960 (VCV001332960.5), dbSNP rs2006112, ClinGen allele CA321327567.

ClinVar aggregate classification (germline): Benign. Review status: criteria provided, multiple submitters, no conflicts (2 of 4 stars). 3 submissions from 3 submitters: Benign (3). Last evaluated 2024-07-31.

Conditions:
Developmental and epileptic encephalopathy, 30 (DEE30). Also called: Epileptic encephalopathy, early infantile, 30. Identifiers: MedGen C4225360, MONDO:0014595, OMIM 616341.

Allele frequency attached by ClinVar (database versions not stated): 1000 Genomes Project 0.41633; ESP Exome Variant Server 0.42325; ExAC 0.34248; gnomAD exomes 0.32889.

Submissions (3):

Unidad de Genómica Garrahan, Hospital de Pediatría Garrahan
Classification: Benign. Last evaluated: 2024-07-31. Review status: criteria provided, single submitter. Criteria: ACMG Guidelines, 2015. Collection method: clinical testing. Allele origin: germline. Affected: no. Observed: 44 variant alleles.
Comment: This variant is classified as Benign based on local population frequency. This variant was detected in 47% of patients studied in a panel designed for Epileptic and Developmental Encephalopathy, Progressive Myoclonus Epilepsy and Abnormal Movements and Neurodegeneration with brain iron accumulation. Number of patients: 44. Only high quality variants are reported.

Genome-Nilou Lab
Classification: Benign for Developmental and epileptic encephalopathy, 30. Last evaluated: 2021-07-15. Review status: criteria provided, single submitter. Criteria: ACMG Guidelines, 2015. Collection method: clinical testing. Allele origin: germline. Affected: no.

Breakthrough Genomics
Classification: Benign. Review status: criteria provided, single submitter. Criteria: ACMG Guidelines, 2015. Collection method: not provided. Allele origin: germline. Inheritance: Autosomal dominant inheritance. Affected: yes.